The following is an entry in ClinVar:

ClinVar aggregate classification (germline): Uncertain significance (1 of 4 stars; one submission).

Conditions:
Brachyolmia-amelogenesis imperfecta syndrome. Also called: PLATYSPONDYLY WITH AMELOGENESIS IMPERFECTA; Tooth agenesis, selective, 6; Dental anomalies and short stature. Identifiers: Orphanet 2899, MedGen C1832594, MONDO:0011018, OMIM 601216. Disease mechanism: loss of function.

gnomAD v4.1: 1 of 1,271,932 alleles (0.000079%); highest among the groups gnomAD compares: Non-Finnish European, 0.0001%; no homozygotes.

Submission:

Labcorp Genetics (formerly Invitae), Labcorp
Classification: Uncertain significance for Brachyolmia-amelogenesis imperfecta syndrome. Last evaluated: 2024-05-20. Review status: criteria provided, single submitter. Criteria: Invitae Variant Classification Sherloc (09022015). Collection method: clinical testing. Allele origin: germline.
Comment: This sequence change replaces alanine, which is neutral and non-polar, with serine, which is neutral and polar, at codon 20 of the LTBP3 protein (p.Ala20Ser). This variant is not present in population databases (gnomAD no frequency). This variant has not been reported in the literature in individuals affected with LTBP3-related conditions. Experimental studies and prediction algorithms are not available or were not evaluated, and the functional significance of this variant is currently unknown. In summary, the available evidence is currently insufficient to determine the role of this variant in disease. Therefore, it has been classified as a Variant of Uncertain Significance.

NM_001130144.3(LTBP3):c.58G>T (p.Ala20Ser)

Gene: LTBP3 (latent transforming growth factor beta binding protein 3; minus strand). Cytogenetic location: 11q13.1.
Variant type: single nucleotide variant.
Coding change: c.58G>T on transcript NM_001130144.3 (MANE Select); coding-DNA position 58, G replaced by T.
Protein change: p.Ala20Ser; replaces alanine 20 with serine.
Molecular consequence: missense variant. On other transcripts: 5 prime UTR variant (1).
Genome position (GRCh38, 1-based): chr11:65,557,902, C>A on the plus strand (G>T on the coding strand, the complement: LTBP3 is on the minus strand). VCF-style: chr11-65557902-C-A. GRCh37 (hg19) VCF-style: chr11-65325373-C-A.
Other names: c.-290G>T (NM_001164266.1); c.58G>T, p.Ala20Ser (NM_021070.4); short protein forms A20S.
Identifiers: ClinVar variation 3690814 (VCV003690814.2).